The following is an entry in ClinVar:

ClinVar aggregate classification (germline): Uncertain significance. Review status: criteria provided, multiple submitters, no conflicts (2 of 4 stars). 2 submissions from 2 submitters: Uncertain significance (2). Last evaluated 2021-08-31.

Conditions:
Muscular dystrophy-dystroglycanopathy (congenital with brain and eye anomalies), type A13. Also called: WALKER-WARBURG SYNDROME OR MUSCLE-EYE-BRAIN DISEASE, B3GNT1-RELATED; Muscular dystrophy-dystroglycanopathy (congenital with brain and eye anomalies), type a, 13. Identifiers: Orphanet 899, MedGen C3809042, MONDO:0014120, OMIM 615287.

Allele frequency attached by ClinVar (database versions not stated): gnomAD 0.00001; gnomAD exomes 0.00001; TOPMed 0.00002.

Submissions (2):

Labcorp Genetics (formerly Invitae), Labcorp
Classification: Uncertain significance for Muscular dystrophy-dystroglycanopathy (congenital with brain and eye anomalies), type A13. Last evaluated: 2021-08-31. Review status: criteria provided, single submitter. Criteria: Invitae Variant Classification Sherloc (09022015). Collection method: clinical testing. Allele origin: germline.
Comment: This sequence change replaces alanine with glycine at codon 379 of the B4GAT1 protein (p.Ala379Gly). The alanine residue is moderately conserved and there is a small physicochemical difference between alanine and glycine. This variant is not present in population databases (ExAC no frequency). This variant has not been reported in the literature in individuals affected with B4GAT1-related conditions. ClinVar contains an entry for this variant (Variation ID: 423075). Algorithms developed to predict the effect of missense changes on protein structure and function (SIFT, PolyPhen-2, Align-GVGD) all suggest that this variant is likely to be tolerated. In summary, the available evidence is currently insufficient to determine the role of this variant in disease. Therefore, it has been classified as a Variant of Uncertain Significance.

GeneDx
Classification: Uncertain significance. Last evaluated: 2017-01-19. Review status: criteria provided, single submitter. Criteria: GeneDx Variant Classification (06012015). Collection method: clinical testing. Allele origin: germline. Affected: yes.
Comment: The A379G variant has not been published as a pathogenic variant, nor has it been reported as a benign variant to our knowledge. The A379G variant is not observed in large population cohorts (Lek et al., 2016; 1000 Genomes Consortium et al., 2015; Exome Variant Server). The A379G variant is a conservative amino acid substitution, which is not likely to impact secondary protein structure as these residues share similar properties. Additionally, this substitution occurs at a position that is not conserved. In silico analysis is inconsistent in its predictions as to whether or not the variant is damaging to the protein structure/function. Based on the currently available information, it is unclear whether this variant is a pathogenic variant or a rare benign variant.

NM_006876.3(B4GAT1):c.1136C>G (p.Ala379Gly)

Gene: B4GAT1 (beta-1,4-glucuronyltransferase 1; minus strand). Cytogenetic location: 11q13.2.
Variant type: single nucleotide variant.
Coding change: c.1136C>G on transcript NM_006876.3 (MANE Select); coding-DNA position 1136, C replaced by G.
Protein change: p.Ala379Gly; replaces alanine 379 with glycine.
Molecular consequence: missense variant.
Genome position (GRCh38, 1-based): chr11:66,346,161, G>C on the plus strand (C>G on the coding strand, the complement: B4GAT1 is on the minus strand). VCF-style: chr11-66346161-G-C. GRCh37 (hg19) VCF-style: chr11-66113632-G-C.
Other names: short protein forms A379G.
Identifiers: ClinVar variation 423075 (VCV000423075.7), dbSNP rs1012499887, ClinGen allele CA16619379.